The following is an entry in ClinVar:

ClinVar aggregate classification (germline): Uncertain significance. Review status: criteria provided, single submitter (1 of 4 stars). 2 submissions from 2 submitters: Uncertain significance (1). 1 of the submissions does not count toward it. Last evaluated 2019-08-08.

Conditions:
HEMOGLOBIN AUBAGNE.

Submissions (2):

ARUP Laboratories, Molecular Genetics and Genomics, ARUP Laboratories
Classification: Uncertain significance. Last evaluated: 2019-08-08. Review status: criteria provided, single submitter. Criteria: ARUP Molecular Germline Variant Investigation Process. Collection method: clinical testing. Allele origin: germline.
Comment: The Hb Aubagne (HBB: c.194G>C; p.Gly65Ala, also known as Gly64Ala when numbered from the mature protein, rs33922018) variant is reported in the literature in the heterozygous state in a family with mild anemia and Heinz bodies and was considered mildly unstable (see link to HbVar; Lacan 2002). However, the effect when found with additional pathogenic HBB variants is unknown. Other variants at this codon (Hb J-Calabria, c.194G>A, p.Gly65Asp; Hb Calgary c.194G>T, p.Gly65Val; Hb Extremadura, c.[400G>C; 193G>A]; p.[Val134Leu; Gly65Ser]) have been reported in heterozygotes with mild anemia (Henderson 2016), and Hb J-Calabria has been reported with a second beta-thalassemia variant in an individual with chronic hemolytic anemia (see links to HbVar, Marinucci 1979). The Hb Aubagne variant is reported in ClinVar (Variation ID: 15599), and is absent from general population databases (Exome Variant Server, Genome Aggregation Database), indicating it is not a common polymorphism. The glycine at codon 65 is highly conserved, and computational analyses (SIFT, PolyPhen-2) predict that this variant is deleterious. However, given the lack of clinical and functional data, the significance of the Hb Aubagne variant is uncertain at this time. References: Link to HbVar for Hb Aubagne: Link to HbVar for Hb J-Calabria: Henderson SJ et al. Ten Years of Routine alpha- and beta-Globin Gene Sequencing in UK Hemoglobinopathy Referrals Reveals 60 Novel Mutations. Hemoglobin. 2016;40(2):75-84. Lacan P et al. Hb aubagne [beta64(E8)Gly-Ala]: a new unstable beta chain variant found in a French family. Hemoglobin. 2002 May;26(2):163-7. Marinucci M et al. Studies on a family with Hb J Calabria (alpha 2 beta 2 64 (E8) Gly replaced by Asp). Hemoglobin. 1979;3(5):327-40.

OMIM
Classification: other for HEMOGLOBIN AUBAGNE. Last evaluated: 2017-12-12. Review status: no assertion criteria provided. Collection method: literature only. Allele origin: germline. Not counted in ClinVar's aggregate classification.

Literature cited by the submitters: PubMed 12144059 (cited by OMIM).

NM_000518.4(HBB):c.194G>C (p.Gly65Ala)

Genes: HBB (hemoglobin subunit beta; minus strand), LOC106099062 (HBB recombination region; plus strand), LOC107133510 (origin of replication at HBB; plus strand). Cytogenetic location: 11p15.4.
Variant type: single nucleotide variant.
Coding change: c.194G>C on transcript NM_000518.4; coding-DNA position 194, G replaced by C.
Protein change: p.Gly65Ala; replaces glycine 65 with alanine.
Molecular consequence: missense variant (on NM_000518.5).
Genome position (GRCh38, 1-based): chr11:5,226,698, C>G on the plus strand (G>C on the coding strand, the complement: HBB is on the minus strand). VCF-style: chr11-5226698-C-G. GRCh37 (hg19) VCF-style: chr11-5247928-C-G.
Other names: G64A; c.194G>C, p.Gly65Ala (NM_000518.5); short protein forms G65A.
Identifiers: ClinVar variation 15599 (VCV000015599.10), dbSNP rs33922018, ClinGen allele CA125511.